The following is an entry in ClinVar:

ClinVar aggregate classification (germline): Uncertain significance. Review status: criteria provided, multiple submitters, no conflicts (2 of 4 stars). 2 submissions from 2 submitters: Uncertain significance (2). Last evaluated 2024-09-30.

gnomAD v4.1: 14 of 1,608,832 alleles (0.00087%); highest among the groups gnomAD compares: Non-Finnish European, 0.001%; no homozygotes.

Submissions (2):

Blueprint Genetics
Classification: Uncertain significance. Last evaluated: 2024-09-30. Review status: criteria provided, single submitter. Criteria: ACMG Guidelines, 2015. Collection method: clinical testing. Allele origin: germline.

Labcorp Genetics (formerly Invitae), Labcorp
Classification: Uncertain significance. Last evaluated: 2024-03-13. Review status: criteria provided, single submitter. Criteria: Invitae Variant Classification Sherloc (09022015). Collection method: clinical testing. Allele origin: germline.
Comment: This sequence change replaces leucine, which is neutral and non-polar, with valine, which is neutral and non-polar, at codon 331 of the IRF2BP2 protein (p.Leu331Val). This variant is not present in population databases (gnomAD no frequency). This missense change has been observed in individual(s) with IRF2BP2-related conditions (PMID: 35753512). ClinVar contains an entry for this variant (Variation ID: 1466746). An algorithm developed to predict the effect of missense changes on protein structure and function (PolyPhen-2) suggests that this variant is likely to be disruptive. In summary, the available evidence is currently insufficient to determine the role of this variant in disease. Therefore, it has been classified as a Variant of Uncertain Significance.

Literature cited by the submitters: PubMed 35753512 (cited by Labcorp Genetics (formerly Invitae), Labcorp).

NM_182972.3(IRF2BP2):c.991C>G (p.Leu331Val)

Genes: IRF2BP2 (interferon regulatory factor 2 binding protein 2; minus strand), LOC129932810 (ATAC-STARR-seq lymphoblastoid active region 2760; plus strand). Cytogenetic location: 1q42.3.
Variant type: single nucleotide variant.
Coding change: c.991C>G on transcript NM_182972.3 (MANE Select); coding-DNA position 991, C replaced by G.
Protein change: p.Leu331Val; replaces leucine 331 with valine.
Molecular consequence: missense variant.
Genome position (GRCh38, 1-based): chr1:234,608,504, G>C on the plus strand (C>G on the coding strand, the complement: IRF2BP2 is on the minus strand). VCF-style: chr1-234608504-G-C. GRCh37 (hg19) VCF-style: chr1-234744250-G-C.
Other names: c.991C>G, p.Leu331Val (NM_001077397.1); short protein forms L331V.
Identifiers: ClinVar variation 1466746 (VCV001466746.7), dbSNP rs8722, ClinGen allele CA39545975.